The following is an entry in ClinVar:

NM_001371928.1(AHDC1):c.3378G>C (p.Gln1126His)

Gene: AHDC1 (AT-hook DNA binding motif containing 1; minus strand). Cytogenetic location: 1p36.11.
Variant type: single nucleotide variant.
Coding change: c.3378G>C on transcript NM_001371928.1 (MANE Select); coding-DNA position 3378, G replaced by C.
Protein change: p.Gln1126His; replaces glutamine 1126 with histidine.
Molecular consequence: missense variant.
Genome position (GRCh38, 1-based): chr1:27,548,738, C>G on the plus strand (G>C on the coding strand, the complement: AHDC1 is on the minus strand). VCF-style: chr1-27548738-C-G. GRCh37 (hg19) VCF-style: chr1-27875249-C-G.
Other names: c.3378G>C, p.Gln1126His (NM_001029882.3); short protein forms Q1126H.
Identifiers: ClinVar variation 4700137 (VCV004700137.1).

ClinVar aggregate classification (germline): Uncertain significance (1 of 4 stars; one submission).

Submission:

Labcorp Genetics (formerly Invitae), Labcorp
Classification: Uncertain significance. Last evaluated: 2025-05-16. Review status: criteria provided, single submitter. Criteria: Invitae Variant Classification Sherloc (09022015). Collection method: clinical testing. Allele origin: germline.
Comment: This sequence change replaces glutamine, which is neutral and polar, with histidine, which is basic and polar, at codon 1126 of the AHDC1 protein (p.Gln1126His). This variant is not present in population databases (gnomAD no frequency). This variant has not been reported in the literature in individuals affected with AHDC1-related conditions. An algorithm developed to predict the effect of missense changes on protein structure and function (PolyPhen-2) suggests that this variant is likely to be tolerated. In summary, the available evidence is currently insufficient to determine the role of this variant in disease. Therefore, it has been classified as a Variant of Uncertain Significance.